The following is an entry in ClinVar:

NM_000368.5(TSC1):c.3141C>A (p.Thr1047=)

Gene: TSC1 (TSC complex subunit 1; minus strand). Cytogenetic location: 9q34.13.
Variant type: single nucleotide variant.
Coding change: c.3141C>A on transcript NM_000368.5 (MANE Select); coding-DNA position 3141, C replaced by A.
Protein change: p.Thr1047=; no amino-acid change (threonine 1047 retained).
Molecular consequence: synonymous variant.
Genome position (GRCh38, 1-based): chr9:132,896,589, G>T on the plus strand (C>A on the coding strand, the complement: TSC1 is on the minus strand). VCF-style: chr9-132896589-G-T. GRCh37 (hg19) VCF-style: chr9-135771976-G-T.
Other names: c.3138C>A, p.Thr1046= (NM_001162426.2); c.2988C>A, p.Thr996= (NM_001162427.2); c.2778C>A, p.Thr926= (NM_001362177.2).
Identifiers: ClinVar variation 486591 (VCV000486591.12), dbSNP rs892228756, ClinGen allele CA467812802.

ClinVar aggregate classification (germline): Benign/Likely benign. Review status: criteria provided, multiple submitters, no conflicts (2 of 4 stars). 4 submissions from 4 submitters: Benign (1); Likely benign (3). Last evaluated 2025-04-29.

Conditions:
Hereditary cancer-predisposing syndrome. Also called: Tumor predisposition; Neoplastic Syndromes, Hereditary; Hereditary Cancer Syndrome; Hereditary neoplastic syndrome. Identifiers: Orphanet 140162, MedGen C0027672, MeSH D009386, MONDO:0015356.
Tuberous sclerosis 1 (TSC1). Identifiers: Orphanet 805, MedGen C1854465, MONDO:0008612, OMIM 191100.

Allele frequency attached by ClinVar (database versions not stated): TOPMed below 0.00001.
gnomAD v4.1: 2 of 1,613,850 alleles (0.00012%); highest among the groups gnomAD compares: Non-Finnish European, 0.00017%; no homozygotes.

Submissions (4):

Myriad Genetics, Inc.
Classification: Benign for Tuberous sclerosis 1. Last evaluated: 2025-04-29. Review status: criteria provided, single submitter. Criteria: Myriad Autosomal Dominant, Autosomal Recessive and X-Linked Classification Criteria (2023). Collection method: clinical testing. Allele origin: unknown.
Comment: This variant is considered benign. This variant is a silent/synonymous amino acid change and it is not expected to impact splicing.

Labcorp Genetics (formerly Invitae), Labcorp
Classification: Likely benign for Tuberous sclerosis 1. Last evaluated: 2024-09-27. Review status: criteria provided, single submitter. Criteria: Invitae Variant Classification Sherloc (09022015). Collection method: clinical testing. Allele origin: germline.

Sema4
Classification: Likely benign for Hereditary cancer-predisposing syndrome. Last evaluated: 2021-05-14. Review status: criteria provided, single submitter. Criteria: Sema4 Curation Guidelines. Collection method: curation. Allele origin: germline.

Ambry Genetics
Classification: Likely benign for Hereditary cancer-predisposing syndrome. Last evaluated: 2016-09-23. Review status: criteria provided, single submitter. Criteria: Ambry Variant Classification Scheme 2023. Collection method: clinical testing. Allele origin: germline.